The following is an entry in ClinVar:

ClinVar aggregate classification (germline): Likely pathogenic (1 of 4 stars; one submission).

Conditions:
ERF-related disorder. Also called: ERF-related disorders; ERF-related condition.

Submission:

Women's Health and Genetics/Laboratory Corporation of America, LabCorp
Classification: Likely pathogenic for ERF-Related Disorders. Last evaluated: 2023-02-16. Review status: criteria provided, single submitter. Criteria: LabCorp Variant Classification Summary - May 2015. Collection method: clinical testing. Allele origin: germline.
Comment: Variant summary: ERF c.972C>G (p.Tyr324X) results in a premature termination codon, predicted to cause a truncation of the encoded protein or absence of the protein due to nonsense mediated decay, which are commonly known mechanisms for disease. Truncations downstream of this position have been classified as pathogenic by ClinVar submitters. The variant was absent in 249208 control chromosomes. To our knowledge, no occurrence of c.972C>G in individuals affected with ERF-Related Disorders and no experimental evidence demonstrating its impact on protein function have been reported. No submitters have provided clinical-significance assessments for this variant to ClinVar after 2014. Based on the evidence outlined above, the variant was classified as likely pathogenic.

NM_006494.4(ERF):c.972C>G (p.Tyr324Ter)

Gene: ERF (ETS2 repressor factor; minus strand). Cytogenetic location: 19q13.2.
Variant type: single nucleotide variant.
Coding change: c.972C>G on transcript NM_006494.4 (MANE Select); coding-DNA position 972, C replaced by G.
Protein change: p.Tyr324Ter; replaces tyrosine 324 with a stop codon.
Molecular consequence: nonsense.
Genome position (GRCh38, 1-based): chr19:42,249,140, G>C on the plus strand (C>G on the coding strand, the complement: ERF is on the minus strand). VCF-style: chr19-42249140-G-C. GRCh37 (hg19) VCF-style: chr19-42753292-G-C.
Other names: c.747C>G, p.Tyr249Ter (NM_001301035.2, NM_001308402.2, NM_001312656.2); c.972C>G (NM_006494.3); short protein forms Y249*, Y324*.
Identifiers: ClinVar variation 2445880 (VCV002445880.1), dbSNP rs2036392683, ClinGen allele CA406109216.